The following is an entry in ClinVar:

NM_000059.4(BRCA2):c.2765dup (p.Lys923fs)

Gene: BRCA2 (BRCA2 DNA repair associated; plus strand). Cytogenetic location: 13q13.1.
Variant type: Duplication.
Coding change: c.2765dup on transcript NM_000059.4 (MANE Select); coding-DNA position 2765, one base duplicated (T; older notation c.2765dupT).
Protein change: p.Lys923fs; shifts the reading frame from lysine 923.
Molecular consequence: frameshift variant.
Genome position (GRCh38, 1-based): chr13:32,337,120, T duplicated; the last of 4 consecutive T bases (chr13:32,337,117-32,337,120); duplicating any one gives the same sequence. VCF-style (leftmost placement, unchanged base first): chr13-32337116-A-AT. GRCh37 (hg19) VCF-style: chr13-32911253-A-AT.
Other names: 2993_2994insT; c.2765dupT (NM_000059.3); short protein forms K923fs.
Identifiers: ClinVar variation 51338 (VCV000051338.7), dbSNP rs397507639, ClinGen allele CA016303.
Genomic context (GRCh38, chr13:32,337,116, plus strand): 5'-CTTGCTTTAGGAAATACTAAGGAACTTCATGAAACAGACTTGACTTGTGTAAACGAACCC[A>AT]TTTTCAAGAACTCTACCATGGTTTTATATGGAGACACAGGTGATAAACAAGCAACCCAAG-3'

ClinVar aggregate classification (germline): Pathogenic. Review status: reviewed by expert panel (3 of 4 stars). 2 submissions from 2 submitters: Pathogenic (1). 1 of the submissions does not count toward it. Last evaluated 2016-10-18.

Conditions:
Breast-ovarian cancer, familial, susceptibility to, 2 (BROVCA2). Also called: BRCA2 Hereditary Breast and Ovarian Cancer. Identifiers: Orphanet 145, MedGen C2675520, MONDO:0012933, OMIM 612555. Disease mechanism: loss of function.

Submissions (2):

Evidence-based Network for the Interpretation of Germline Mutant Alleles (ENIGMA)
Classification: Pathogenic for Breast-ovarian cancer, familial, susceptibility to, 2. Last evaluated: 2016-10-18. Review status: reviewed by expert panel. Criteria: ENIGMA BRCA1/2 Classification Criteria (2015). Collection method: curation. Allele origin: germline.
Comment: Variant allele predicted to encode a truncated non-functional protein.

Consortium of Investigators of Modifiers of BRCA1/2 (CIMBA), c/o University of Cambridge
Classification: Pathogenic for Breast-ovarian cancer, familial, susceptibility to, 2. Last evaluated: 2015-10-02. Review status: criteria provided, single submitter. Criteria: CIMBA Mutation Classification guidelines May 2016. Collection method: clinical testing. Allele origin: germline. Not counted in ClinVar's aggregate classification.